The following is an entry in ClinVar:

NM_001077350.3(NPRL3):c.995A>G (p.Asn332Ser)

Genes: HBA-LCR (alpha-globin locus control region; plus strand), NPRL3 (NPR3 like, GATOR1 complex subunit; minus strand). Cytogenetic location: 16p13.3.
Variant type: single nucleotide variant.
Coding change: c.995A>G on transcript NM_001077350.3 (MANE Select); coding-DNA position 995, A replaced by G.
Protein change: p.Asn332Ser; replaces asparagine 332 with serine.
Molecular consequence: missense variant.
Genome position (GRCh38, 1-based): chr16:93,255, T>C on the plus strand (A>G on the coding strand, the complement: NPRL3 is on the minus strand). VCF-style: chr16-93255-T-C. GRCh37 (hg19) VCF-style: chr16-143253-T-C.
Other names: c.458A>G, p.Asn153Ser (NM_001039476.3); c.761A>G, p.Asn254Ser (NM_001243247.2); c.920A>G, p.Asn307Ser (NM_001243248.2, NM_001243249.2); short protein forms N307S, N332S, N153S, N254S.
Identifiers: ClinVar variation 4750888 (VCV004750888.1).

ClinVar aggregate classification (germline): Uncertain significance (1 of 4 stars; one submission).

Conditions:
Epilepsy, familial focal, with variable foci 3 (FFEVF3). Identifiers: MedGen C4310708, MONDO:0014925, OMIM 617118.

gnomAD v4.1: 4 of 1,559,810 alleles (0.00026%); highest among the groups gnomAD compares: South Asian, 0.0012%; no homozygotes.

Submission:

Labcorp Genetics (formerly Invitae), Labcorp
Classification: Uncertain significance for Epilepsy, familial focal, with variable foci 3. Last evaluated: 2025-03-23. Review status: criteria provided, single submitter. Criteria: Invitae Variant Classification Sherloc (09022015). Collection method: clinical testing. Allele origin: germline.
Comment: This sequence change replaces asparagine, which is neutral and polar, with serine, which is neutral and polar, at codon 332 of the NPRL3 protein (p.Asn332Ser). The frequency data for this variant in the population databases is considered unreliable, as metrics indicate poor data quality at this position in the gnomAD database. This variant has not been reported in the literature in individuals affected with NPRL3-related conditions. Invitae Evidence Modeling of protein sequence and biophysical properties (such as structural, functional, and spatial information, amino acid conservation, physicochemical variation, residue mobility, and thermodynamic stability) has been performed for this missense variant. However, the output from this modeling did not meet the statistical confidence thresholds required to predict the impact of this variant on NPRL3 protein function. In summary, the available evidence is currently insufficient to determine the role of this variant in disease. Therefore, it has been classified as a Variant of Uncertain Significance.